The following is an entry in ClinVar:

ClinVar aggregate classification (germline): Benign. Review status: criteria provided, multiple submitters, no conflicts (2 of 4 stars). 2 submissions from 2 submitters: Benign (2). Last evaluated 2018-06-19.

Allele frequency attached by ClinVar (database versions not stated): gnomAD exomes 0.22936; gnomAD 0.28130 and 0.28385; TOPMed 0.29496; 1000 Genomes Project 0.30911; 1000 Genomes Project 30x 0.31309.
gnomAD v4.1: 119,298 of 484,740 alleles (25%); highest among the groups gnomAD compares: African/African-American, 44%; 16,523 homozygotes.

Submissions (2):

GeneDx
Classification: Benign. Last evaluated: 2018-06-19. Review status: criteria provided, single submitter. Criteria: GeneDx Variant Classification (06012015). Collection method: clinical testing. Allele origin: germline. Affected: yes.
Comment: This variant is considered likely benign or benign based on one or more of the following criteria: it is a conservative change, it occurs at a poorly conserved position in the protein, it is predicted to be benign by multiple in silico algorithms, and/or has population frequency not consistent with disease.

Breakthrough Genomics
Classification: Benign. Review status: criteria provided, single submitter. Criteria: ACMG Guidelines, 2015. Collection method: not provided. Allele origin: germline. Inheritance: Autosomal recessive inheritance. Affected: yes.

NM_030962.4(SBF2):c.3653-233C>T

Gene: SBF2 (SET binding factor 2; minus strand). Cytogenetic location: 11p15.4.
Variant type: single nucleotide variant.
Coding change: c.3653-233C>T on transcript NM_030962.4 (MANE Select); 233 bases into the intron before coding-DNA position 3653, C replaced by T.
Molecular consequence: intron variant.
Genome position (GRCh38, 1-based): chr11:9,829,729, G>A on the plus strand (C>T on the coding strand, the complement: SBF2 is on the minus strand). VCF-style: chr11-9829729-G-A. GRCh37 (hg19) VCF-style: chr11-9851276-G-A.
Other names: c.3524-233C>T (NM_001386342.1); c.3653-233C>T (NM_001386339.1).
Identifiers: ClinVar variation 669306 (VCV000669306.2), dbSNP rs16907122, ClinGen allele CA15691315.
Genomic context (GRCh38, chr11:9,829,729, plus strand): 5'-TGGCTAATCCTCCACTGTAATGCTGGTTTTACCACACCTACTTCTTGATTGCCTCATTAT[G>A]CTTCCAGAAAGAGCCCAGGTCTGGAAAACCAGCACAGGGCTACCCTTCCAAGCACAGATT-3'